The following is an entry in ClinVar:

ClinVar aggregate classification (germline): Likely benign (1 of 4 stars; one submission).

Allele frequency attached by ClinVar (database versions not stated): gnomAD 0.00604 and 0.00647; 1000 Genomes Project 0.00619; 1000 Genomes Project 30x 0.00687; TOPMed 0.00714.
gnomAD v4.1: 908 of 151,604 alleles (0.6%); highest among the groups gnomAD compares: African/African-American, 2%; 14 homozygotes.

Submission:

GeneDx
Classification: Likely benign. Last evaluated: 2018-06-16. Review status: criteria provided, single submitter. Criteria: GeneDx Variant Classification (06012015). Collection method: clinical testing. Allele origin: germline. Affected: yes.
Comment: This variant is considered likely benign or benign based on one or more of the following criteria: it is a conservative change, it occurs at a poorly conserved position in the protein, it is predicted to be benign by multiple in silico algorithms, and/or has population frequency not consistent with disease.

NM_001065.4(TNFRSF1A):c.40-304T>C

Gene: TNFRSF1A (TNF receptor superfamily member 1A; minus strand). Cytogenetic location: 12p13.31.
Variant type: single nucleotide variant.
Coding change: c.40-304T>C on transcript NM_001065.4 (MANE Select); 304 bases into the intron before coding-DNA position 40, T replaced by C.
Molecular consequence: intron variant.
Genome position (GRCh38, 1-based): chr12:6,334,548, A>G on the plus strand (T>C on the coding strand, the complement: TNFRSF1A is on the minus strand). VCF-style: chr12-6334548-A-G. GRCh37 (hg19) VCF-style: chr12-6443714-A-G.
Other names: c.-131-683T>C (NM_001346091.2); c.-538-304T>C (NM_001346092.2).
Identifiers: ClinVar variation 673423 (VCV000673423.1), dbSNP rs138345237, ClinGen allele CA232331255.